The following is an entry in ClinVar:

ClinVar aggregate classification (germline): Likely pathogenic (1 of 4 stars; one submission).

Conditions:
MAPK8IP3-related disorder. Also called: MAPK8IP3-related condition.

gnomAD v4.1: 3 of 1,573,644 alleles (0.00019%); highest among the groups gnomAD compares: Non-Finnish European, 0.00026%; no homozygotes.

Submission:

PreventionGenetics, part of Exact Sciences
Classification: Likely pathogenic for MAPK8IP3-related condition. Last evaluated: 2026-07-31. Review status: criteria provided, single submitter. Criteria: ACMG Guidelines, 2015. Collection method: clinical testing. Allele origin: germline.
Comment: The MAPK8IP3 c.1708A>T variant is predicted to result in premature protein termination (p.Lys570*). To our knowledge, this variant has not been reported in the literature or in a large population database (gnomAD), indicating this variant is rare. Recent clinical and functional data support the role of loss-of-function variants (eg. premature protein termination) in MAPK8IP3 as a disease mechanism (Sudnawa. 2026. PubMed ID: 40734308; Yi et al. 2026. PubMed ID: 42027429, internal data). This variant is interpreted as likely pathogenic.

NM_001318852.2(MAPK8IP3):c.1708A>T (p.Lys570Ter)

Gene: MAPK8IP3 (mitogen-activated protein kinase 8 interacting protein 3; plus strand). Cytogenetic location: 16p13.3.
Variant type: single nucleotide variant.
Coding change: c.1708A>T on transcript NM_001318852.2 (MANE Select); coding-DNA position 1708, A replaced by T.
Protein change: p.Lys570Ter; replaces lysine 570 with a stop codon.
Molecular consequence: nonsense.
Genome position (GRCh38, 1-based): chr16:1,762,712, A>T. VCF-style: chr16-1762712-A-T. GRCh37 (hg19) VCF-style: chr16-1812713-A-T.
Other names: c.1687A>T, p.Lys563Ter (NM_001040439.2); c.1705A>T, p.Lys569Ter (NM_015133.5); short protein forms K563*, K569*, K570*.
Identifiers: ClinVar variation 4981209 (VCV004981209.1).